The following is an entry in ClinVar:

NM_203447.4(DOCK8):c.2791A>C (p.Asn931His)

Gene: DOCK8 (dedicator of cytokinesis 8; plus strand). Cytogenetic location: 9p24.3.
Variant type: single nucleotide variant.
Coding change: c.2791A>C on transcript NM_203447.4 (MANE Select); coding-DNA position 2791, A replaced by C.
Protein change: p.Asn931His; replaces asparagine 931 with histidine.
Molecular consequence: missense variant. On other transcripts: intron variant (1).
Genome position (GRCh38, 1-based): chr9:386,343, A>C. VCF-style: chr9-386343-A-C. GRCh37 (hg19) VCF-style: chr9-386343-A-C.
Other names: c.2587A>C, p.Asn863His (NM_001193536.2); c.2574+3658A>C (NM_001190458.2); short protein forms N931H, N863H.
Identifiers: ClinVar variation 583346 (VCV000583346.9), dbSNP rs754098089, ClinGen allele CA4958358.

ClinVar aggregate classification (germline): Uncertain significance (1 of 4 stars; one submission).

Conditions:
Combined immunodeficiency due to DOCK8 deficiency (HIES2). Also called: DOCK8 Deficiency; Hyper-IgE recurrent infection syndrome, autosomal recessive; HIES autosomal recessive; HYPER-IgE RECURRENT INFECTION SYNDROME 2, AUTOSOMAL RECESSIVE; HYPER-IgE SYNDROME 2, AUTOSOMAL RECESSIVE, WITH RECURRENT INFECTIONS. Identifiers: Orphanet 217390, MedGen C4722305, MONDO:0009478, OMIM 243700.

Allele frequency attached by ClinVar (database versions not stated): gnomAD exomes below 0.00001; ExAC 0.00001.
gnomAD v4.1: 2 of 1,613,874 alleles (0.00012%); highest among the groups gnomAD compares: Non-Finnish European, 0.00017%; no homozygotes.

Submission:

Labcorp Genetics (formerly Invitae), Labcorp
Classification: Uncertain significance for Combined immunodeficiency due to DOCK8 deficiency. Last evaluated: 2018-06-20. Review status: criteria provided, single submitter. Criteria: Invitae Variant Classification Sherloc (09022015). Collection method: clinical testing. Allele origin: germline.
Comment: In summary, the available evidence is currently insufficient to determine the role of this variant in disease. Therefore, it has been classified as a Variant of Uncertain Significance. Algorithms developed to predict the effect of missense changes on protein structure and function (SIFT, PolyPhen-2, Align-GVGD) all suggest that this variant is likely to be tolerated, but these predictions have not been confirmed by published functional studies and their clinical significance is uncertain. This variant has not been reported in the literature in individuals with DOCK8-related disease. This variant is present in population databases (rs754098089, ExAC 0.002%). This sequence change replaces asparagine with histidine at codon 931 of the DOCK8 protein (p.Asn931His). The asparagine residue is weakly conserved and there is a small physicochemical difference between asparagine and histidine.